The following is an entry in ClinVar:

NM_020163.3(SEMA3G):c.2162G>A (p.Arg721Gln)

Gene: SEMA3G (semaphorin 3G; minus strand). Cytogenetic location: 3p21.1.
Variant type: single nucleotide variant.
Coding change: c.2162G>A on transcript NM_020163.3 (MANE Select); coding-DNA position 2162, G replaced by A.
Protein change: p.Arg721Gln; replaces arginine 721 with glutamine.
Molecular consequence: missense variant.
Genome position (GRCh38, 1-based): chr3:52,435,790, C>T on the plus strand (G>A on the coding strand, the complement: SEMA3G is on the minus strand). VCF-style: chr3-52435790-C-T. GRCh37 (hg19) VCF-style: chr3-52469806-C-T.
Other names: NC_000003.11:g.52469806C>T; c.2162G>A (NM_020163.2); short protein forms R721Q.
Identifiers: ClinVar variation 2293714 (VCV002293714.6), dbSNP rs774949591, ClinGen allele CA2437705.

ClinVar aggregate classification (germline): Uncertain significance. Review status: criteria provided, single submitter (1 of 4 stars). 2 submissions from 2 submitters: Uncertain significance (1). 1 of the submissions does not count toward it. Last evaluated 2024-11-24.

Conditions:
SEMA3G-related disorder. Also called: SEMA3G-related condition.

Allele frequency attached by ClinVar (database versions not stated): TOPMed 0.00004; ExAC 0.00002; gnomAD 0.00003.
gnomAD v4.1: 70 of 1,614,038 alleles (0.0043%); highest among the groups gnomAD compares: Non-Finnish European, 0.0052%; no homozygotes.

Submissions (3):

Ambry Genetics
Classification: Uncertain significance. Last evaluated: 2024-11-24. Review status: criteria provided, single submitter. Criteria: Ambry Variant Classification Scheme 2023. Collection method: clinical testing. Allele origin: germline.

PreventionGenetics, part of Exact Sciences
Classification: Uncertain significance for SEMA3G-related condition. Last evaluated: 2024-01-24. Review status: no assertion criteria provided. Collection method: clinical testing. Allele origin: germline. Not counted in ClinVar's aggregate classification.
Comment: The SEMA3G c.2162G>A variant is predicted to result in the amino acid substitution p.Arg721Gln. To our knowledge, this variant has not been reported in the literature. This variant is reported in 0.0056% of alleles in individuals of Latino descent in gnomAD. At this time, the clinical significance of this variant is uncertain due to the absence of conclusive functional and genetic evidence.

Dr. Peter K. Rogan Lab, Western University
No classification provided (evidence only). Condition: Lung cancer. Review status: no classification provided. Collection method: in vitro. Allele origin: not applicable. Functional consequence: retained intron. Not counted in ClinVar's aggregate classification.